The following is an entry in ClinVar:

NM_001355436.2(SPTB):c.877G>T (p.Val293Phe)

Gene: SPTB (spectrin beta, erythrocytic; minus strand). Cytogenetic location: 14q23.3.
Variant type: single nucleotide variant.
Coding change: c.877G>T on transcript NM_001355436.2 (MANE Select); coding-DNA position 877, G replaced by T.
Protein change: p.Val293Phe; replaces valine 293 with phenylalanine.
Molecular consequence: missense variant.
Genome position (GRCh38, 1-based): chr14:64,799,934, C>A on the plus strand (G>T on the coding strand, the complement: SPTB is on the minus strand). VCF-style: chr14-64799934-C-A. GRCh37 (hg19) VCF-style: chr14-65266652-C-A.
Other names: c.877G>T, p.Val293Phe (NM_001024858.4, NM_001355437.2); short protein forms V293F.
Identifiers: ClinVar variation 3644012 (VCV003644012.2).

ClinVar aggregate classification (germline): Uncertain significance (1 of 4 stars; one submission).

Submission:

Labcorp Genetics (formerly Invitae), Labcorp
Classification: Uncertain significance. Last evaluated: 2024-03-21. Review status: criteria provided, single submitter. Criteria: Invitae Variant Classification Sherloc (09022015). Collection method: clinical testing. Allele origin: germline.
Comment: This sequence change replaces valine, which is neutral and non-polar, with phenylalanine, which is neutral and non-polar, at codon 293 of the SPTB protein (p.Val293Phe). This variant is not present in population databases (gnomAD no frequency). This variant has not been reported in the literature in individuals affected with SPTB-related conditions. An algorithm developed to predict the effect of missense changes on protein structure and function (PolyPhen-2) suggests that this variant is likely to be disruptive. Algorithms developed to predict the effect of sequence changes on RNA splicing suggest that this variant may disrupt the consensus splice site. In summary, the available evidence is currently insufficient to determine the role of this variant in disease. Therefore, it has been classified as a Variant of Uncertain Significance.